The following is an entry in ClinVar:

ClinVar aggregate classification (germline): Uncertain significance (1 of 4 stars; one submission).

Conditions:
Autosomal recessive limb-girdle muscular dystrophy type 2C (LGMDR5). Also called: MUSCULAR DYSTROPHY, DUCHENNE-LIKE; MUSCULAR DYSTROPHY, LIMB-GIRDLE, AUTOSOMAL RECESSIVE 5. Identifiers: Orphanet 353, MedGen C0410173, MONDO:0009677, OMIM 253700. Disease mechanism: Affects gamma-sarcoglycan and also disrupts the integrity of the entire sarcoglycan complex..

Submission:

Labcorp Genetics (formerly Invitae), Labcorp
Classification: Uncertain significance for Autosomal recessive limb-girdle muscular dystrophy type 2C. Last evaluated: 2024-11-18. Review status: criteria provided, single submitter. Criteria: Invitae Variant Classification Sherloc (09022015). Collection method: clinical testing. Allele origin: germline.
Comment: This sequence change affects codon 168 of the SGCG mRNA. It is a 'silent' change, meaning that it does not change the encoded amino acid sequence of the SGCG protein. It affects a nucleotide within the consensus splice site. This variant is not present in population databases (gnomAD no frequency). This variant has not been reported in the literature in individuals affected with SGCG-related conditions. ClinVar contains an entry for this variant (Variation ID: 1352381). Algorithms developed to predict the effect of sequence changes on RNA splicing suggest that this variant is not likely to affect RNA splicing. In summary, the available evidence is currently insufficient to determine the role of this variant in disease. Therefore, it has been classified as a Variant of Uncertain Significance.

NM_000231.3(SGCG):c.504T>C (p.Thr168=)

Gene: SGCG (sarcoglycan gamma; plus strand). Cytogenetic location: 13q12.12.
Variant type: single nucleotide variant.
Coding change: c.504T>C on transcript NM_000231.3 (MANE Select); coding-DNA position 504, T replaced by C.
Protein change: p.Thr168=; no amino-acid change (threonine 168 retained).
Molecular consequence: synonymous variant.
Genome position (GRCh38, 1-based): chr13:23,279,477, T>C. VCF-style: chr13-23279477-T-C. GRCh37 (hg19) VCF-style: chr13-23853616-T-C.
Other names: c.558T>C, p.Thr186= (NM_001378244.1); c.504T>C, p.Thr168= (NM_001378245.1, NM_001378246.1).
Identifiers: ClinVar variation 1352381 (VCV001352381.6), dbSNP rs2137617795, ClinGen allele CA482930249.